The following is an entry in ClinVar:

NM_018344.6(SLC29A3):c.*174G>A

Gene: SLC29A3 (solute carrier family 29 member 3; plus strand). Cytogenetic location: 10q22.1.
Variant type: single nucleotide variant.
Coding change: c.*174G>A on transcript NM_018344.6 (MANE Select); 174 bases downstream of the stop codon, G replaced by A.
Molecular consequence: 3 prime UTR variant. On other transcripts: non-coding transcript variant (2).
Genome position (GRCh38, 1-based): chr10:71,362,782, G>A. VCF-style: chr10-71362782-G-A. GRCh37 (hg19) VCF-style: chr10-73122539-G-A.
Other names: c.*831G>A (NM_001174098.2); c.*174G>A (NM_001363518.2).
Identifiers: ClinVar variation 300375 (VCV000300375.6), dbSNP rs115839185, ClinGen allele CA5543230.
Genomic context (GRCh38, chr10:71,362,782, plus strand): 5'-AGAGCACACTCGGGCCTCATCCCTCCCAAGATGCCAGTGAGCCACGTCCATGCCCATTCC[G>A]TGCAAGGCAGATATTCCAGTCATATTAACAGAACACTCCTGAGACAGTTGAAGAAGAAAT-3'

ClinVar aggregate classification (germline): Benign. Review status: criteria provided, multiple submitters, no conflicts (2 of 4 stars). 2 submissions from 2 submitters: Benign (2). Last evaluated 2018-01-13.

Conditions:
H syndrome. Also called: Histiocytosis with joint contractures and sensorineural deafness; HISTIOCYTOSIS AND LYMPHADENOPATHY WITH OR WITHOUT CUTANEOUS, CARDIAC, AND/OR ENDOCRINE FEATURES, JOINT CONTRACTURES, AND/OR DEAFNESS; HYPERPIGMENTATION, CUTANEOUS, WITH HYPERTRICHOSIS, HEPATOSPLENOMEGALY, HEART ANOMALIES, AND HYPOGONADISM WITH OR WITHOUT HEARING LOSS; PIGMENTED HYPERTRICHOSIS WITH INSULIN-DEPENDENT DIABETES MELLITUS; ROSAI-DORFMAN DISEASE, FAMILIAL; SINUS HISTIOCYTOSIS AND MASSIVE LYMPHADENOPATHY. Identifiers: Orphanet 168569, MedGen C1864445, MONDO:0011273, OMIM 602782.

Allele frequency attached by ClinVar (database versions not stated): gnomAD exomes 0.01085 and 0.00918; 1000 Genomes Project 0.02616; 1000 Genomes Project 30x 0.02639; gnomAD 0.01755 and 0.01772; ExAC 0.01755; TOPMed 0.01901.
gnomAD v4.1: 8,448 of 777,552 alleles (1.1%); highest among the groups gnomAD compares: African/African-American, 4.3%; 108 homozygotes.

Submissions (2):

Illumina Laboratory Services, Illumina
Classification: Benign for H syndrome. Last evaluated: 2018-01-13. Review status: criteria provided, single submitter. Criteria: ICSL Variant Classification Criteria 13 December 2019. Collection method: clinical testing. Allele origin: germline.
Comment: This variant was observed in the ICSL laboratory as part of a predisposition screen in an ostensibly healthy population. It had not been previously curated by ICSL or reported in the Human Gene Mutation Database (HGMD: prior to June 1st, 2018), and was therefore a candidate for classification through an automated scoring system. Utilizing variant allele frequency, disease prevalence and penetrance estimates, and inheritance mode, an automated score was calculated to assess if this variant is too frequent to cause the disease. Based on the score and internal cut-off values, a variant classified as benign is not then subjected to further curation. The score for this variant resulted in a classification of benign for this disease.

Breakthrough Genomics
Classification: Benign. Review status: criteria provided, single submitter. Criteria: ACMG Guidelines, 2015. Collection method: not provided. Allele origin: germline. Inheritance: Autosomal recessive inheritance. Affected: yes.